The following is an entry in ClinVar:

NM_005535.3(IL12RB1):c.181G>A (p.Glu61Lys)

Gene: IL12RB1 (interleukin 12 receptor subunit beta 1; minus strand). Cytogenetic location: 19p13.11.
Variant type: single nucleotide variant.
Coding change: c.181G>A on transcript NM_005535.3 (MANE Select); coding-DNA position 181, G replaced by A.
Protein change: p.Glu61Lys; replaces glutamic acid 61 with lysine.
Molecular consequence: missense variant.
Genome position (GRCh38, 1-based): chr19:18,082,208, C>T on the plus strand (G>A on the coding strand, the complement: IL12RB1 is on the minus strand). VCF-style: chr19-18082208-C-T. GRCh37 (hg19) VCF-style: chr19-18193018-C-T.
Other names: c.181G>A, p.Glu61Lys (NM_001290023.2, NM_153701.3); c.301G>A, p.Glu101Lys (NM_001290024.2); short protein forms E101K, E61K.
Identifiers: ClinVar variation 652884 (VCV000652884.7), dbSNP rs117720235, ClinGen allele CA9305310.

ClinVar aggregate classification (germline): Uncertain significance. Review status: criteria provided, multiple submitters, no conflicts (2 of 4 stars). 2 submissions from 2 submitters: Uncertain significance (2). Last evaluated 2021-08-26.

Conditions:
Mendelian susceptibility to mycobacterial diseases due to complete IL12RB1 deficiency. Also called: IL12RB1 DEFICIENCY; Immunodeficiency 30. Identifiers: Orphanet 319552, MedGen C4013949, MONDO:0013955, OMIM 614891.

Allele frequency attached by ClinVar (database versions not stated): ExAC 0.00002; TOPMed 0.00003; gnomAD 0.00004 and 0.00005; 1000 Genomes Project 30x 0.00016; 1000 Genomes Project 0.00020.
gnomAD v4.1: 33 of 1,613,916 alleles (0.002%); highest among the groups gnomAD compares: African/African-American, 0.004%; no homozygotes.

Submissions (2):

Labcorp Genetics (formerly Invitae), Labcorp
Classification: Uncertain significance for Mendelian susceptibility to mycobacterial diseases due to complete IL12RB1 deficiency. Last evaluated: 2021-08-26. Review status: criteria provided, single submitter. Criteria: Invitae Variant Classification Sherloc (09022015). Collection method: clinical testing. Allele origin: germline.
Comment: This sequence change replaces glutamic acid with lysine at codon 61 of the IL12RB1 protein (p.Glu61Lys). The glutamic acid residue is highly conserved and there is a small physicochemical difference between glutamic acid and lysine. This variant is present in population databases (rs117720235, ExAC 0.003%). This variant has not been reported in the literature in individuals affected with IL12RB1-related conditions. Algorithms developed to predict the effect of missense changes on protein structure and function are either unavailable or do not agree on the potential impact of this missense change (SIFT: "Deleterious"; PolyPhen-2: "Possibly Damaging"; Align-GVGD: "Class C0"). In summary, the available evidence is currently insufficient to determine the role of this variant in disease. Therefore, it has been classified as a Variant of Uncertain Significance.

Blueprint Genetics
Classification: Uncertain significance. Last evaluated: 2019-06-14. Review status: criteria provided, single submitter. Criteria: ACMG Guidelines, 2015. Collection method: clinical testing. Allele origin: germline.